The following is an entry in ClinVar:

ClinVar aggregate classification (germline): Uncertain significance (1 of 4 stars; one submission).

Submission:

Labcorp Genetics (formerly Invitae), Labcorp
Classification: Uncertain significance. Last evaluated: 2026-01-19. Review status: criteria provided, single submitter. Criteria: Invitae Variant Classification Sherloc (09022015). Collection method: clinical testing. Allele origin: germline.
Comment: This sequence change replaces proline, which is neutral and non-polar, with alanine, which is neutral and non-polar, at codon 376 of the POLG2 protein (p.Pro376Ala). This variant is not present in population databases (gnomAD no frequency). This variant has not been reported in the literature in individuals affected with POLG2-related conditions. An algorithm developed to predict the effect of missense changes on protein structure and function (PolyPhen-2) suggests that this variant is likely to be disruptive. In summary, the available evidence is currently insufficient to determine the role of this variant in disease. Therefore, it has been classified as a Variant of Uncertain Significance.

NM_007215.4(POLG2):c.1126C>G (p.Pro376Ala)

Genes: MILR1 (mast cell immunoglobulin like receptor 1; plus strand), POLG2 (DNA polymerase gamma 2, accessory subunit; minus strand). Cytogenetic location: 17q23.3.
Variant type: single nucleotide variant.
Coding change: c.1126C>G on transcript NM_007215.4 (MANE Select); coding-DNA position 1126, C replaced by G.
Protein change: p.Pro376Ala; replaces proline 376 with alanine.
Molecular consequence: missense variant.
Genome position (GRCh38, 1-based): chr17:64,482,984, G>C on the plus strand (C>G on the coding strand, the complement: POLG2 is on the minus strand). VCF-style: chr17-64482984-G-C. GRCh37 (hg19) VCF-style: chr17-62479101-G-C.
Other names: short protein forms P376A.
Identifiers: ClinVar variation 4733232 (VCV004733232.1).